The following is an entry in ClinVar:

ClinVar aggregate classification (germline): Uncertain significance (1 of 4 stars; one submission).

gnomAD v4.1: 1 of 1,610,690 alleles (0.000062%); highest among the groups gnomAD compares: Admixed American, 0.0017%; no homozygotes.

Submission:

Labcorp Genetics (formerly Invitae), Labcorp
Classification: Uncertain significance. Last evaluated: 2022-08-09. Review status: criteria provided, single submitter. Criteria: Invitae Variant Classification Sherloc (09022015). Collection method: clinical testing. Allele origin: germline.
Comment: This sequence change replaces proline, which is neutral and non-polar, with alanine, which is neutral and non-polar, at codon 1906 of the COL7A1 protein (p.Pro1906Ala). This variant is not present in population databases (gnomAD no frequency). This variant has not been reported in the literature in individuals affected with COL7A1-related conditions. ClinVar contains an entry for this variant (Variation ID: 1362513). Advanced modeling of protein sequence and biophysical properties (such as structural, functional, and spatial information, amino acid conservation, physicochemical variation, residue mobility, and thermodynamic stability) performed at Invitae indicates that this missense variant is not expected to disrupt COL7A1 protein function. In summary, the available evidence is currently insufficient to determine the role of this variant in disease. Therefore, it has been classified as a Variant of Uncertain Significance.

NM_000094.4(COL7A1):c.5716C>G (p.Pro1906Ala)

Gene: COL7A1 (collagen type VII alpha 1 chain; minus strand). Cytogenetic location: 3p21.31.
Variant type: single nucleotide variant.
Coding change: c.5716C>G on transcript NM_000094.4 (MANE Select); coding-DNA position 5716, C replaced by G.
Protein change: p.Pro1906Ala; replaces proline 1906 with alanine.
Molecular consequence: missense variant.
Genome position (GRCh38, 1-based): chr3:48,576,542, G>C on the plus strand (C>G on the coding strand, the complement: COL7A1 is on the minus strand). VCF-style: chr3-48576542-G-C. GRCh37 (hg19) VCF-style: chr3-48613975-G-C.
Other names: short protein forms P1906A.
Identifiers: ClinVar variation 1362513 (VCV001362513.5), dbSNP rs1227012449, ClinGen allele CA352667072.